The following is an entry in ClinVar:

NM_080605.4(B3GALT6):c.421del (p.Ala141fs)

Gene: B3GALT6 (beta-1,3-galactosyltransferase 6; plus strand). Cytogenetic location: 1p36.33.
Variant type: Deletion.
Coding change: c.421del on transcript NM_080605.4 (MANE Select); coding-DNA position 421, one base deleted (G; older notation c.421delG).
Protein change: p.Ala141fs; shifts the reading frame from alanine 141.
Molecular consequence: frameshift variant.
Genome position (GRCh38, 1-based): chr1:1,232,699, G deleted; the last of 2 consecutive G bases (chr1:1,232,698-1,232,699); deleting either gives the same sequence. VCF-style (leftmost placement, unchanged base first): chr1-1232697-TG-T. GRCh37 (hg19) VCF-style: chr1-1168077-TG-T.
Other names: short protein forms A141fs.
Identifiers: ClinVar variation 2190795 (VCV002190795.2), dbSNP rs1340631697, ClinGen allele CA886926364.
Genomic context (GRCh38, chr1:1,232,697, plus strand): 5'-TGCTGCTGCCCGCGCTGCGCGACGCCTACGAAAACCTCACGGCCAAGGTGCTGGCCATGC[TG>T]GCCTGGCTGGACGAGCACGTGGCCTTCGAGTTCGTGCTCAAGGCGGACGACGACTCCTTC-3'

ClinVar aggregate classification (germline): Conflicting classifications of pathogenicity. Review status: criteria provided, conflicting classifications (1 of 4 stars). 2 submissions from 2 submitters: Likely pathogenic (1); Uncertain significance (1). Last evaluated 2026-08-06.

Conditions:
Ehlers-Danlos syndrome, spondylodysplastic type, 2 (EDSSPD2). Also called: Ehlers-Danlos syndrome, progeroid type, 2. Identifiers: Orphanet 536467, Orphanet 75496, MedGen C3809210, MONDO:0014139, OMIM 615349.
Spondyloepimetaphyseal dysplasia with joint laxity (SEMDJL). Identifiers: MedGen C0432243, MONDO:0019675.
Al-Gazali syndrome. Also called: Al Gazali Al Talabani syndrome; Eye defects arachnodactyly cardiopathy. Identifiers: MedGen C1836121, MONDO:0012282, OMIM 609465.

Submissions (2):

OLLIN Analises Genomicas, OLLIN
Classification: Likely pathogenic for Al-Gazali syndrome. Last evaluated: 2026-08-06. Review status: criteria provided, single submitter. Criteria: ACMG Guidelines 2015 PMID 25741868. Collection method: clinical testing. Allele origin: germline. Inheritance: Autosomal recessive inheritance.
Comment: This frameshift variant, located in exon 1 (of 1), is absent from gnomAD and has not been identified in the literature. However, it has been reported in ClinVar (accession VCV002190795.1). This variant causes a frameshift and introduces a premature stop codon, which is predicted to result in either a truncated protein or degradation of the mRNA via nonsense-mediated decay (NMD). According to the currently available evidence, this variant has been classified as likely pathogenic (PVS1, PM2_P).

Labcorp Genetics (formerly Invitae), Labcorp
Classification: Uncertain significance for Ehlers-Danlos syndrome, spondylodysplastic type, 2; Spondyloepimetaphyseal dysplasia with joint laxity. Last evaluated: 2022-07-09. Review status: criteria provided, single submitter. Criteria: Invitae Variant Classification Sherloc (09022015). Collection method: clinical testing. Allele origin: germline.
Comment: This sequence change creates a premature translational stop signal (p.Ala141Profs*137) in the B3GALT6 gene. While this is not anticipated to result in nonsense mediated decay, it is expected to disrupt the last 189 amino acid(s) of the B3GALT6 protein. This variant is not present in population databases (gnomAD no frequency). This variant has not been reported in the literature in individuals affected with B3GALT6-related conditions. Experimental studies and prediction algorithms are not available or were not evaluated, and the functional significance of this variant is currently unknown. In summary, the available evidence is currently insufficient to determine the role of this variant in disease. Therefore, it has been classified as a Variant of Uncertain Significance.